The following is an entry in ClinVar:

ClinVar aggregate classification (germline): Uncertain significance. Review status: criteria provided, multiple submitters, no conflicts (2 of 4 stars). 3 submissions from 3 submitters: Uncertain significance (3). Last evaluated 2025-05-24.

Conditions:
Cardiovascular phenotype. Identifiers: MedGen CN230736.
Hypercholesterolemia, autosomal dominant, type B (FHCL2). Also called: APOB-Related Familial Hypercholesterolemia, Autosomal Dominant; Hyperlipoproteinemia Type IIb; Familial Hypercholesterolemia Type B; APOLIPOPROTEIN B-100, FAMILIAL DEFECTIVE; APOLIPOPROTEIN B-100, FAMILIAL LIGAND-DEFECTIVE; Familial hypercholesterolemia 2. Identifiers: MedGen C1704417, MONDO:0007751, OMIM 144010.
Familial hypobetalipoproteinemia 1. Also called: APOB-Related Familial Hypobetalipoproteinemia; Hypobetalipoproteinemia, normotriglyceridemic; Acanthocytosis with hypobetalipoproteinemia. Identifiers: MedGen C4551990, MONDO:0014252, OMIM 615558.

Allele frequency attached by ClinVar (database versions not stated): gnomAD exomes 0.00001 and 0.00002; ExAC 0.00002.
gnomAD v4.1: 13 of 1,614,212 alleles (0.00081%); highest among the groups gnomAD compares: South Asian, 0.014%; 1 homozygote.

Submissions (3):

Ambry Genetics
Classification: Uncertain significance for Cardiovascular phenotype. Last evaluated: 2025-05-24. Review status: criteria provided, single submitter. Criteria: Ambry Variant Classification Scheme 2023. Collection method: clinical testing. Allele origin: germline.
Comment: The p.Q845H variant (also known as c.2535G>C), located in coding exon 17 of the APOB gene, results from a G to C substitution at nucleotide position 2535. The glutamine at codon 845 is replaced by histidine, an amino acid with highly similar properties. This amino acid position is conserved. In addition, this alteration is predicted to be tolerated by in silico analysis. Based on the available evidence, the clinical significance of this variant remains unclear.

Labcorp Genetics (formerly Invitae), Labcorp
Classification: Uncertain significance for Familial hypobetalipoproteinemia 1; Hypercholesterolemia, autosomal dominant, type B. Last evaluated: 2021-09-10. Review status: criteria provided, single submitter. Criteria: Invitae Variant Classification Sherloc (09022015). Collection method: clinical testing. Allele origin: germline.
Comment: This variant is present in population databases (rs778467805, ExAC 0.01%). This variant has not been reported in the literature in individuals with APOB-related disease. Algorithms developed to predict the effect of missense changes on protein structure and function are either unavailable or do not agree on the potential impact of this missense change (SIFT: "Deleterious"; PolyPhen-2: "Probably Damaging"; Align-GVGD: "Class C0"). In summary, the available evidence is currently insufficient to determine the role of this variant in disease. Therefore, it has been classified as a Variant of Uncertain Significance. This sequence change replaces glutamine with histidine at codon 845 of the APOB protein (p.Gln845His). The glutamine residue is moderately conserved and there is a small physicochemical difference between glutamine and histidine.

Revvity Omics, Revvity
Classification: Uncertain significance. Last evaluated: 2019-09-11. Review status: criteria provided, single submitter. Criteria: ACMG Guidelines, 2015. Collection method: clinical testing. Allele origin: germline.

NM_000384.3(APOB):c.2535G>C (p.Gln845His)

Gene: APOB (apolipoprotein B; minus strand). Cytogenetic location: 2p24.1.
Variant type: single nucleotide variant.
Coding change: c.2535G>C on transcript NM_000384.3 (MANE Select); coding-DNA position 2535, G replaced by C.
Protein change: p.Gln845His; replaces glutamine 845 with histidine.
Molecular consequence: missense variant.
Genome position (GRCh38, 1-based): chr2:21,023,594, C>G on the plus strand (G>C on the coding strand, the complement: APOB is on the minus strand). VCF-style: chr2-21023594-C-G. GRCh37 (hg19) VCF-style: chr2-21246466-C-G.
Other names: short protein forms Q845H.
Identifiers: ClinVar variation 630336 (VCV000630336.15), dbSNP rs778467805, ClinGen allele CA056602.